The following is an entry in ClinVar:

NM_014244.5(ADAMTS2):c.23_25delinsGTCAGGGAAG (p.Ala8fs)

Gene: ADAMTS2 (ADAM metallopeptidase with thrombospondin type 1 motif 2; minus strand). Cytogenetic location: 5q35.3.
Variant type: Indel.
Coding change: c.23_25delinsGTCAGGGAAG on transcript NM_014244.5 (MANE Select); coding-DNA positions 23 to 25, CTC replaced by GTCAGGGAAG.
Protein change: p.Ala8fs; shifts the reading frame from alanine 8.
Molecular consequence: frameshift variant.
Genome position (GRCh38, 1-based): chr5:179,345,304-179,345,306, GAG replaced by CTTCCCTGAC on the plus strand (CTC replaced by GTCAGGGAAG on the coding strand, the reverse complement: ADAMTS2 is on the minus strand). VCF-style: chr5-179345304-GAG-CTTCCCTGAC. GRCh37 (hg19) VCF-style: chr5-178772305-GAG-CTTCCCTGAC.
Other names: c.23_25delinsGTCAGGGAAG, p.Ala8fs (NM_021599.4); short protein forms A8fs.
Identifiers: ClinVar variation 5010864 (VCV005010864.1).

ClinVar aggregate classification (germline): Pathogenic (1 of 4 stars; one submission).

Conditions:
Ehlers-Danlos syndrome, dermatosparaxis type. Also called: EDS VIIC; Dermatosparaxis; Ehlers-Danlos syndrome, type VII, autosomal recessive. Identifiers: Orphanet 1901, MedGen C2700425, MONDO:0009161, OMIM 225410.

Submission:

Myriad Genetics, Inc.
Classification: Pathogenic for Ehlers-Danlos syndrome, dermatosparaxis type. Last evaluated: 2024-05-14. Review status: criteria provided, single submitter. Criteria: Myriad Autosomal Dominant, Autosomal Recessive and X-Linked Classification Criteria (2023). Collection method: clinical testing. Allele origin: unknown.
Comment: NM_014244.4(ADAMTS2):c.23_25del3ins10(A8Gfs*60) is expected to be pathogenic in the context of Ehlers-Danlos syndrome, ADAMTS2-related. This variant is predicted to lead to an abnormal or absent protein product due to the creation of a premature termination codon in ADAMTS2, a gene where loss-of-function variants are known to be pathogenic. Please note: this variant was assessed in the context of healthy population screening.